The following is an entry in ClinVar:

NM_025145.7(CFAP43):c.1199C>T (p.Thr400Ile)

Gene: CFAP43 (cilia and flagella associated protein 43; minus strand). Cytogenetic location: 10q25.1.
Variant type: single nucleotide variant.
Coding change: c.1199C>T on transcript NM_025145.7 (MANE Select); coding-DNA position 1199, C replaced by T.
Protein change: p.Thr400Ile; replaces threonine 400 with isoleucine.
Molecular consequence: missense variant.
Genome position (GRCh38, 1-based): chr10:104,197,935, G>A on the plus strand (C>T on the coding strand, the complement: CFAP43 is on the minus strand). VCF-style: chr10-104197935-G-A. GRCh37 (hg19) VCF-style: chr10-105957693-G-A.
Other names: short protein forms T400I.
Identifiers: ClinVar variation 2404750 (VCV002404750.25), dbSNP rs138274272, ClinGen allele CA5681003.

ClinVar aggregate classification (germline): Conflicting classifications of pathogenicity. Review status: criteria provided, conflicting classifications (1 of 4 stars). 2 submissions from 2 submitters: Uncertain significance (1); Likely benign (1). Last evaluated 2024-11-08.

Allele frequency attached by ClinVar (database versions not stated): gnomAD exomes 0.00042; gnomAD 0.00043; TOPMed 0.00047; ExAC 0.00053; ESP Exome Variant Server 0.00054; 1000 Genomes Project 0.00060; 1000 Genomes Project 30x 0.00078.
gnomAD v4.1: 706 of 1,606,548 alleles (0.044%); highest among the groups gnomAD compares: Middle Eastern, 1.5%; 6 homozygotes.

Submissions (2):

Ambry Genetics
Classification: Uncertain significance. Last evaluated: 2024-11-08. Review status: criteria provided, single submitter. Criteria: Ambry Variant Classification Scheme 2023. Collection method: clinical testing. Allele origin: germline.

CeGaT Center for Human Genetics Tuebingen
Classification: Likely benign. Last evaluated: 2024-02-01. Review status: criteria provided, single submitter. Criteria: CeGaT Center For Human Genetics Tuebingen Variant Classification Criteria Version 2. Collection method: clinical testing. Allele origin: germline. Affected: yes. Observed: 1 variant allele.
Comment: CFAP43: BP4, BS2